The following is an entry in ClinVar:

NM_000252.3(MTM1):c.1048A>T (p.Ile350Phe)

Gene: MTM1 (myotubularin 1; plus strand). Cytogenetic location: Xq28.
Variant type: single nucleotide variant.
Coding change: c.1048A>T on transcript NM_000252.3 (MANE Select); coding-DNA position 1048, A replaced by T.
Protein change: p.Ile350Phe; replaces isoleucine 350 with phenylalanine.
Molecular consequence: missense variant.
Genome position (GRCh38, 1-based): chrX:150,649,896, A>T. VCF-style: chrX-150649896-A-T. GRCh37 (hg19) VCF-style: chrX-149818369-A-T.
Other names: c.1048A>T, p.Ile350Phe (NM_001376906.1, NM_001376908.1); c.937A>T, p.Ile313Phe (NM_001376907.1); short protein forms I313F, I350F.
Identifiers: ClinVar variation 3906624 (VCV003906624.1).
Genomic context (GRCh38, chrX:150,649,896, plus strand): 5'-CCTAATGTAGAAGAATCTCATTGGTTGTCCAGTTTGGAGTCTACTCATTGGTTAGAACAT[A>T]TCAAGGCAAGTATATTTTGTGAAAATATTTGTGTATATAAAAAAGAATGTAATTGTTTAG-3'
Protein context (NP_000243.1, residues 340-360): SLESTHWLEH[Ile350Phe]KLVLTGAIQV

ClinVar aggregate classification (germline): Uncertain significance (1 of 4 stars; one submission).

Submission:

GeneDx
Classification: Uncertain significance. Last evaluated: 2024-12-19. Review status: criteria provided, single submitter. Criteria: GeneDx Variant Classification Process June 2021. Collection method: clinical testing. Allele origin: germline. Affected: yes.
Comment: Has not been previously published as pathogenic or benign to our knowledge; Not observed at significant frequency in large population cohorts (gnomAD); In silico analysis supports that this missense variant has a deleterious effect on protein structure/function